The following is an entry in ClinVar:

NM_000531.6(OTC):c.860_861dup (p.Met288fs)

Gene: OTC (ornithine transcarbamylase; plus strand). Cytogenetic location: Xp11.4.
Variant type: Duplication.
Coding change: c.860_861dup on transcript NM_000531.6 (MANE Select); coding-DNA positions 860 to 861, 2 bases duplicated (CA; older notation c.860_861dupCA).
Protein change: p.Met288fs; shifts the reading frame from methionine 288.
Molecular consequence: frameshift variant.
Genome position (GRCh38, 1-based): chrX:38,409,018-38,409,019, CA duplicated; duplicating any 2 consecutive bases within chrX:38,409,017-38,409,019 gives the same sequence; the c. name uses the placement nearest the transcript's 3' end. VCF-style (leftmost placement, unchanged base first): chrX-38409016-T-TAC. GRCh37 (hg19) VCF-style: chrX-38268269-T-TAC.
Other names: short protein forms M288fs.
Identifiers: ClinVar variation 928530 (VCV000928530.1), dbSNP rs2068530385, ClinGen allele CA1139667393.

ClinVar aggregate classification (germline): Likely pathogenic (1 of 4 stars; one submission).

Conditions:
Ornithine carbamoyltransferase deficiency (OTCD). Also called: ORNITHINE TRANSCARBAMYLASE DEFICIENCY; Ornithine Carbamoyltransferase Deficiency Disease; OTC DEFICIENCY; ORNITHINE TRANSCARBAMYLASE DEFICIENCY, HYPERAMMONEMIA DUE TO. Identifiers: Orphanet 664, MedGen C0268542, MONDO:0010703, OMIM 311250.

Submission:

Women's Health and Genetics/Laboratory Corporation of America, LabCorp
Classification: Likely pathogenic for Ornithine carbamoyltransferase deficiency. Last evaluated: 2019-10-13. Review status: criteria provided, single submitter. Criteria: LabCorp Variant Classification Summary - May 2015. Collection method: clinical testing. Allele origin: germline.
Comment: Variant summary: OTC c.860_861dupCA (p.Met288GlnfsX2) results in a premature termination codon, predicted to cause a truncation of the encoded protein or absence of the protein due to nonsense mediated decay, which are commonly known mechanisms for disease. The variant was absent in 182805 control chromosomes. To our knowledge, no occurrence of c.860_861dupCA in individuals affected with Ornithine Transcarbamylase Deficiency and no experimental evidence demonstrating its impact on protein function have been reported. No clinical diagnostic laboratories have submitted clinical-significance assessments for this variant to ClinVar after 2014. Based on the evidence outlined above, the variant was classified as likely pathogenic.